The following is an entry in ClinVar:

NM_000135.4(FANCA):c.3814C>T (p.His1272Tyr)

Genes: FANCA (FA complementation group A; minus strand), ZNF276 (zinc finger protein 276; plus strand). Cytogenetic location: 16q24.3.
Variant type: single nucleotide variant.
Coding change: c.3814C>T on transcript NM_000135.4 (MANE Select); coding-DNA position 3814, C replaced by T.
Protein change: p.His1272Tyr; replaces histidine 1272 with tyrosine.
Molecular consequence: missense variant. On other transcripts: 3 prime UTR variant (2), non-coding transcript variant (4).
Genome position (GRCh38, 1-based): chr16:89,740,818, G>A on the plus strand (C>T on the coding strand, the complement: FANCA is on the minus strand). VCF-style: chr16-89740818-G-A. GRCh37 (hg19) VCF-style: chr16-89807226-G-A.
Other names: c.3814C>T, p.His1272Tyr (NM_001286167.3); c.*2572G>A (NM_001113525.2, NM_152287.4); short protein forms H1272Y.
Identifiers: ClinVar variation 1513482 (VCV001513482.9), dbSNP rs2062114648, ClinGen allele CA397485154.

ClinVar aggregate classification (germline): Conflicting classifications of pathogenicity. Review status: criteria provided, conflicting classifications (1 of 4 stars). 2 submissions from 2 submitters: Uncertain significance (1); Likely benign (1). Last evaluated 2025-01-27.

Conditions:
Inborn genetic diseases. Identifiers: MedGen C0950123, MeSH D030342.
Fanconi anemia (FA). Also called: Fanconi's anemia. Identifiers: Orphanet 84, MedGen C0015625, MeSH D005199, MONDO:0019391.

Allele frequency attached by ClinVar (database versions not stated): gnomAD exomes below 0.00001.
gnomAD v4.1: 1 of 1,613,654 alleles (0.000062%); highest among the groups gnomAD compares: Non-Finnish European, 0.000085%; no homozygotes.

Submissions (2):

Ambry Genetics
Classification: Likely benign for Inborn genetic diseases. Last evaluated: 2025-01-27. Review status: criteria provided, single submitter. Criteria: Ambry Variant Classification Scheme 2023. Collection method: clinical testing. Allele origin: germline.

Labcorp Genetics (formerly Invitae), Labcorp
Classification: Uncertain significance for Fanconi anemia. Last evaluated: 2021-05-27. Review status: criteria provided, single submitter. Criteria: Invitae Variant Classification Sherloc (09022015). Collection method: clinical testing. Allele origin: germline.
Comment: In summary, the available evidence is currently insufficient to determine the role of this variant in disease. Therefore, it has been classified as a Variant of Uncertain Significance. Algorithms developed to predict the effect of missense changes on protein structure and function output the following: SIFT: "Tolerated"; PolyPhen-2: "Benign"; Align-GVGD: "Class C0". The tyrosine amino acid residue is found in multiple mammalian species, suggesting that this missense change does not adversely affect protein function. These predictions have not been confirmed by published functional studies and their clinical significance is uncertain. This variant has not been reported in the literature in individuals with FANCA-related conditions. This variant is not present in population databases (ExAC no frequency). This sequence change replaces histidine with tyrosine at codon 1272 of the FANCA protein (p.His1272Tyr). The histidine residue is moderately conserved and there is a moderate physicochemical difference between histidine and tyrosine.